The following is an entry in ClinVar:

NM_001606.5(ABCA2):c.4173C>T (p.Thr1391=)

Gene: ABCA2 (ATP binding cassette subfamily A member 2; minus strand). Cytogenetic location: 9q34.3.
Variant type: single nucleotide variant.
Coding change: c.4173C>T on transcript NM_001606.5 (MANE Select); coding-DNA position 4173, C replaced by T.
Protein change: p.Thr1391=; no amino-acid change (threonine 1391 retained).
Molecular consequence: synonymous variant.
Genome position (GRCh38, 1-based): chr9:137,014,235, G>A on the plus strand (C>T on the coding strand, the complement: ABCA2 is on the minus strand). VCF-style: chr9-137014235-G-A. GRCh37 (hg19) VCF-style: chr9-139908687-G-A.
Other names: c.4170C>T, p.Thr1390= (NM_001411042.1); c.4263C>T, p.Thr1421= (NM_212533.3).
Identifiers: ClinVar variation 3771906 (VCV003771906.13).

ClinVar aggregate classification (germline): Likely benign (1 of 4 stars; one submission).

gnomAD v4.1: 20 of 1,609,984 alleles (0.0012%); highest among the groups gnomAD compares: Admixed American, 0.0084%; no homozygotes.

Submission:

CeGaT Center for Human Genetics Tuebingen
Classification: Likely benign. Last evaluated: 2024-12-01. Review status: criteria provided, single submitter. Criteria: CeGaT Center For Human Genetics Tuebingen Variant Classification Criteria Version 2. Collection method: clinical testing. Allele origin: germline. Affected: yes. Observed: 1 variant allele.
Comment: ABCA2: BP4, BP7